The following is an entry in ClinVar:

ClinVar aggregate classification (germline): Uncertain significance (1 of 4 stars; one submission).

Conditions:
Inborn genetic diseases. Identifiers: MedGen C0950123, MeSH D030342.

Submission:

Ambry Genetics
Classification: Uncertain significance for Inborn genetic diseases. Last evaluated: 2025-06-13. Review status: criteria provided, single submitter. Criteria: Ambry Variant Classification Scheme 2023. Collection method: clinical testing. Allele origin: germline.
Comment: The p.P647T variant (also known as c.1939C>A), located in coding exon 22 of the RTEL1 gene, results from a C to A substitution at nucleotide position 1939. The proline at codon 647 is replaced by threonine, an amino acid with highly similar properties. This amino acid position is conserved. In addition, this alteration is predicted to be deleterious by in silico analysis. Based on the available evidence, the clinical significance of this variant remains unclear.

NM_001283009.2(RTEL1):c.1939C>A (p.Pro647Thr)

Genes: RTEL1 (regulator of telomere elongation helicase 1; plus strand), RTEL1-TNFRSF6B (RTEL1-TNFRSF6B readthrough (NMD candidate); plus strand). Cytogenetic location: 20q13.33.
Variant type: single nucleotide variant.
Coding change: c.1939C>A on transcript NM_001283009.2 (MANE Select); coding-DNA position 1939, C replaced by A.
Protein change: p.Pro647Thr; replaces proline 647 with threonine.
Molecular consequence: missense variant. On other transcripts: non-coding transcript variant (1).
Genome position (GRCh38, 1-based): chr20:63,689,562, C>A. VCF-style: chr20-63689562-C-A. GRCh37 (hg19) VCF-style: chr20-62320915-C-A.
Other names: c.1270C>A, p.Pro424Thr (NM_001283010.1); c.1939C>A, p.Pro647Thr (NM_016434.4); c.2011C>A, p.Pro671Thr (NM_032957.5); short protein forms P647T, P424T, P671T.
Identifiers: ClinVar variation 3948488 (VCV003948488.1).
Genomic context (GRCh38, chr20:63,689,562, plus strand): 5'-GCCAGCGAGGGGCTGGACTTCTCAGACACGAATGGCCGTGGTGTGATTGTCACGGGCCTC[C>A]CGTACCCCCCACGCATGGACCCCCGGGTTGTCCTCAAGATGCAGTTCCTGGATGAGATGA-3'
Protein context (NP_001269938.1, residues 637-657): NGRGVIVTGL[Pro647Thr]YPPRMDPRVV